The following is an entry in ClinVar:

ClinVar aggregate classification (germline): Likely benign. Review status: criteria provided, multiple submitters, no conflicts (2 of 4 stars). 2 submissions from 2 submitters: Likely benign (2). Last evaluated 2023-02-08.

Conditions:
Familial sleep-related hypermotor epilepsy. Also called: Autosomal Dominant Sleep-Related Hypermotor (Hyperkinetic) Epilepsy. Identifiers: Orphanet 98784, MedGen C3696898, MONDO:0000030.

Allele frequency attached by ClinVar (database versions not stated): TOPMed 0.00002; gnomAD exomes below 0.00001.
gnomAD v4.1: 8 of 1,607,450 alleles (0.0005%); highest among the groups gnomAD compares: African/African-American, 0.0013%; no homozygotes.

Submissions (2):

Labcorp Genetics (formerly Invitae), Labcorp
Classification: Likely benign. Last evaluated: 2023-02-08. Review status: criteria provided, single submitter. Criteria: Invitae Variant Classification Sherloc (09022015). Collection method: clinical testing. Allele origin: germline.

GeneDx
Classification: Likely benign. Last evaluated: 2017-05-25. Review status: criteria provided, single submitter. Criteria: GeneDx Variant Classification (06012015). Collection method: clinical testing. Allele origin: germline. Affected: yes.
Comment: This variant is considered likely benign or benign based on one or more of the following criteria: it is a conservative change, it occurs at a poorly conserved position in the protein, it is predicted to be benign by multiple in silico algorithms, and/or has population frequency not consistent with disease.

NM_000742.4(CHRNA2):c.449+9C>G

Gene: CHRNA2 (cholinergic receptor nicotinic alpha 2 subunit; minus strand). Cytogenetic location: 8p21.2.
Variant type: single nucleotide variant.
Coding change: c.449+9C>G on transcript NM_000742.4 (MANE Select); 9 bases into the intron after coding-DNA position 449, C replaced by G.
Molecular consequence: intron variant.
Genome position (GRCh38, 1-based): chr8:27,467,220, G>C on the plus strand (C>G on the coding strand, the complement: CHRNA2 is on the minus strand). VCF-style: chr8-27467220-G-C. GRCh37 (hg19) VCF-style: chr8-27324737-G-C.
Other names: c.-24+9C>G (NM_001347705.2, NM_001347706.2); c.404+9C>G (NM_001282455.2); c.-13+9C>G (NM_001347708.2); c.-10+9C>G (NM_001347707.2).
Identifiers: ClinVar variation 382337 (VCV000382337.4), dbSNP rs368584036, ClinGen allele CA4689666.